The following is an entry in ClinVar:

ClinVar aggregate classification (germline): Uncertain significance (1 of 4 stars; one submission).

Submission:

GeneDx
Classification: Uncertain significance. Last evaluated: 2026-09-02. Review status: criteria provided, single submitter. Criteria: GeneDx Variant Classification Process June 2021. Collection method: clinical testing. Allele origin: germline.
Comment: In silico analysis indicates that this missense variant does not alter protein structure/function; Not observed at significant frequency in large population cohorts (gnomAD); Has not been previously published as pathogenic or benign to our knowledge

NM_001039591.3(USP9X):c.4258A>G (p.Thr1420Ala)

Gene: USP9X (ubiquitin specific peptidase 9 X-linked; plus strand). Cytogenetic location: Xp11.4.
Variant type: single nucleotide variant.
Coding change: c.4258A>G on transcript NM_001039591.3 (MANE Select); coding-DNA position 4258, A replaced by G.
Protein change: p.Thr1420Ala; replaces threonine 1420 with alanine.
Molecular consequence: missense variant.
Genome position (GRCh38, 1-based): chrX:41,197,388, A>G. VCF-style: chrX-41197388-A-G. GRCh37 (hg19) VCF-style: chrX-41056641-A-G.
Other names: c.4258A>G, p.Thr1420Ala (NM_001039590.3); c.4273A>G, p.Thr1425Ala (NM_001410748.1, NM_001410749.1); short protein forms T1420A, T1425A.
Identifiers: ClinVar variation 2497999 (VCV002497999.2), dbSNP rs2062994259, ClinGen allele CA412773104.